The following is an entry in ClinVar:

ClinVar aggregate classification (germline): Uncertain significance (1 of 4 stars; one submission).

Conditions:
Immunodeficiency 35 (IMD35). Also called: TYK2 DEFICIENCY; Susceptibility to infection due to TYK2 deficiency; HIES WITH ATYPICAL MYCOBACTERIOSIS, AUTOSOMAL RECESSIVE; HYPER-IgE SYNDROME WITH ATYPICAL MYCOBACTERIOSIS, AUTOSOMAL RECESSIVE. Identifiers: Orphanet 331226, MedGen C1969086, MONDO:0012682, OMIM 611521.

Allele frequency attached by ClinVar (database versions not stated): ExAC 0.00001; gnomAD 0.00001; gnomAD exomes 0.00001.
gnomAD v4.1: 14 of 1,610,842 alleles (0.00087%); highest among the groups gnomAD compares: African/African-American, 0.0027%; no homozygotes.

Submission:

Labcorp Genetics (formerly Invitae), Labcorp
Classification: Uncertain significance for Immunodeficiency 35. Last evaluated: 2022-04-13. Review status: criteria provided, single submitter. Criteria: Invitae Variant Classification Sherloc (09022015). Collection method: clinical testing. Allele origin: germline.
Comment: This sequence change replaces arginine, which is basic and polar, with glutamine, which is neutral and polar, at codon 703 of the TYK2 protein (p.Arg703Gln). This variant is present in population databases (rs552478414, gnomAD 0.005%). This variant has not been reported in the literature in individuals affected with TYK2-related conditions. ClinVar contains an entry for this variant (Variation ID: 661046). Algorithms developed to predict the effect of missense changes on protein structure and function are either unavailable or do not agree on the potential impact of this missense change (SIFT: "Not Available"; PolyPhen-2: "Benign"; Align-GVGD: "Not Available"). In summary, the available evidence is currently insufficient to determine the role of this variant in disease. Therefore, it has been classified as a Variant of Uncertain Significance.

NM_003331.5(TYK2):c.2108G>A (p.Arg703Gln)

Gene: TYK2 (tyrosine kinase 2; minus strand). Cytogenetic location: 19p13.2.
Variant type: single nucleotide variant.
Coding change: c.2108G>A on transcript NM_003331.5 (MANE Select); coding-DNA position 2108, G replaced by A.
Protein change: p.Arg703Gln; replaces arginine 703 with glutamine.
Molecular consequence: missense variant.
Genome position (GRCh38, 1-based): chr19:10,359,242, C>T on the plus strand (G>A on the coding strand, the complement: TYK2 is on the minus strand). VCF-style: chr19-10359242-C-T. GRCh37 (hg19) VCF-style: chr19-10469918-C-T.
Other names: c.2108G>A (LRG_121t1); short protein forms R703Q.
Identifiers: ClinVar variation 661046 (VCV000661046.6), dbSNP rs552478414, ClinGen allele CA9193178.